The following is an entry in ClinVar:

ClinVar aggregate classification (germline): Pathogenic (1 of 4 stars; one submission).

Conditions:
Familial adenomatous polyposis 1 (FAP1). Also called: FAMILIAL ADENOMATOUS POLYPOSIS 1, ATTENUATED; POLYPOSIS, ADENOMATOUS INTESTINAL. Identifiers: MedGen C2713442, MONDO:0021056, OMIM 175100. Disease mechanism: loss of function.

Submission:

Labcorp Genetics (formerly Invitae), Labcorp
Classification: Pathogenic for Familial adenomatous polyposis 1. Last evaluated: 2023-01-20. Review status: criteria provided, single submitter. Criteria: Invitae Variant Classification Sherloc (09022015). Collection method: clinical testing. Allele origin: germline.
Comment: This variant is not present in population databases (gnomAD no frequency). For these reasons, this variant has been classified as Pathogenic. This variant has not been reported in the literature in individuals affected with APC-related conditions. This sequence change creates a premature translational stop signal (p.Gln12*) in the APC gene. It is expected to result in an absent or disrupted protein product. Loss-of-function variants in APC are known to be pathogenic (PMID: 17963004, 20685668).

Literature cited by the submitters: PubMed 17963004; PubMed 20685668.

NM_000038.6(APC):c.34C>T (p.Gln12Ter)

Gene: APC (APC regulator of Wnt signaling pathway; plus strand). Cytogenetic location: 5q22.2.
Variant type: single nucleotide variant.
Coding change: c.34C>T on transcript NM_000038.6 (MANE Select); coding-DNA position 34, C replaced by T.
Protein change: p.Gln12Ter; replaces glutamine 12 with a stop codon.
Molecular consequence: nonsense. On other transcripts: 5 prime UTR variant (4), non-coding transcript variant (2), intron variant (11).
Genome position (GRCh38, 1-based): chr5:112,754,924, C>T. VCF-style: chr5-112754924-C-T. GRCh37 (hg19) VCF-style: chr5-112090621-C-T.
Other names: c.34C>T, p.Gln12Ter (NM_001127510.3, NM_001354895.2, NM_001354896.2 and 16 more transcripts); c.-1002C>T (NM_001354906.2, NM_001407470.1, NM_001407471.1 and 1 more transcripts); c.166-11402C>T (NM_001407446.1, NM_001354897.2, NM_001354902.2 and 1 more transcripts); c.-42-11402C>T (NM_001407453.1, NM_001354900.2, NM_001354901.2 and 1 more transcripts); c.61-11402C>T (NM_001407451.1, NM_001354898.2, NM_001354904.2); short protein forms Q12*.
Identifiers: ClinVar variation 2830638 (VCV002830638.3), dbSNP rs2149737617, ClinGen allele CA16021413.
Genomic context (GRCh38, chr5:112,754,924, plus strand): 5'-ACCTTATAGGTCCAAGGGTAGCCAAGGATGGCTGCAGCTTCATATGATCAGTTGTTAAAG[C>T]AAGTTGAGGCACTGAAGATGGAGAACTCAAATCTTCGACAAGAGCTAGAAGATAATTCCA-3'